The following is an entry in ClinVar:

ClinVar aggregate classification (germline): Conflicting classifications of pathogenicity. Review status: criteria provided, conflicting classifications (1 of 4 stars). 3 submissions from 3 submitters: Uncertain significance (1); Benign (1). 1 of the submissions does not count toward it. Last evaluated 2022-09-13.

Conditions:
AHDC1-related disorder. Also called: AHDC1-related condition.

Allele frequency attached by ClinVar (database versions not stated): gnomAD below 0.00001 and 0.00001; TOPMed 0.00002; ExAC 0.00006; gnomAD exomes 0.00008.
gnomAD v4.1: 45 of 1,552,276 alleles (0.0029%); highest among the groups gnomAD compares: South Asian, 0.027%; no homozygotes.

Submissions (3):

Labcorp Genetics (formerly Invitae), Labcorp
Classification: Benign. Last evaluated: 2022-09-13. Review status: criteria provided, single submitter. Criteria: Invitae Variant Classification Sherloc (09022015). Collection method: clinical testing. Allele origin: germline.

Genomic Diagnostic Laboratory, Division of Genomic Diagnostics, Children's Hospital of Philadelphia
Classification: Uncertain significance. Last evaluated: 2015-06-17. Review status: criteria provided, single submitter. Criteria: DGD Variant Analysis Guidelines. Collection method: clinical testing. Allele origin: unknown.

PreventionGenetics, part of Exact Sciences
Classification: Likely benign for AHDC1-related condition. Last evaluated: 2021-04-28. Review status: no assertion criteria provided. Collection method: clinical testing. Allele origin: germline. Not counted in ClinVar's aggregate classification.
Comment: This variant is classified as likely benign based on ACMG/AMP sequence variant interpretation guidelines (Richards et al. 2015 PMID: 25741868, with internal and published modifications).

NM_001371928.1(AHDC1):c.3001G>A (p.Ala1001Thr)

Gene: AHDC1 (AT-hook DNA binding motif containing 1; minus strand). Cytogenetic location: 1p36.11.
Variant type: single nucleotide variant.
Coding change: c.3001G>A on transcript NM_001371928.1 (MANE Select); coding-DNA position 3001, G replaced by A.
Protein change: p.Ala1001Thr; replaces alanine 1001 with threonine.
Molecular consequence: missense variant.
Genome position (GRCh38, 1-based): chr1:27,549,115, C>T on the plus strand (G>A on the coding strand, the complement: AHDC1 is on the minus strand). VCF-style: chr1-27549115-C-T. GRCh37 (hg19) VCF-style: chr1-27875626-C-T.
Other names: c.3001G>A, p.Ala1001Thr (NM_001029882.3); short protein forms A1001T.
Identifiers: ClinVar variation 218485 (VCV000218485.7), dbSNP rs772318314, ClinGen allele CA249365.